The following is an entry in ClinVar:

NM_020693.4(DSCAML1):c.3980+9C>T

Gene: DSCAML1 (DS cell adhesion molecule like 1; minus strand). Cytogenetic location: 11q23.3.
Variant type: single nucleotide variant.
Coding change: c.3980+9C>T on transcript NM_020693.4 (MANE Select); 9 bases into the intron after coding-DNA position 3980, C replaced by T.
Molecular consequence: intron variant.
Genome position (GRCh38, 1-based): chr11:117,439,810, G>A on the plus strand (C>T on the coding strand, the complement: DSCAML1 is on the minus strand). VCF-style: chr11-117439810-G-A. GRCh37 (hg19) VCF-style: chr11-117310526-G-A.
Other names: c.4160+9C>T (NM_020693.3).
Identifiers: ClinVar variation 1641409 (VCV001641409.11), dbSNP rs182341966, ClinGen allele CA6296535.

ClinVar aggregate classification (germline): Likely benign. Review status: criteria provided, multiple submitters, no conflicts (2 of 4 stars). 3 submissions from 3 submitters: Likely benign (2). 1 of the submissions does not count toward it. Last evaluated 2026-01-26.

Conditions:
DSCAML1-related disorder. Also called: DSCAML1-related condition.

Allele frequency attached by ClinVar (database versions not stated): gnomAD 0.00151 and 0.00155; TOPMed 0.00152; ESP Exome Variant Server 0.00169; 1000 Genomes Project 30x 0.00031; 1000 Genomes Project 0.00040.
gnomAD v4.1: 3,269 of 1,611,770 alleles (0.2%); highest among the groups gnomAD compares: Non-Finnish European, 0.25%; 7 homozygotes.

Submissions (3):

Labcorp Genetics (formerly Invitae), Labcorp
Classification: Likely benign. Last evaluated: 2026-01-26. Review status: criteria provided, single submitter. Criteria: Invitae Variant Classification Sherloc (09022015). Collection method: clinical testing. Allele origin: germline.

Breakthrough Genomics
Classification: Likely benign. Review status: criteria provided, single submitter. Criteria: ACMG Guidelines, 2015. Collection method: not provided. Allele origin: germline. Inheritance: Unknown mechanism. Affected: yes.

PreventionGenetics, part of Exact Sciences
Classification: Likely benign for DSCAML1-related condition. Last evaluated: 2019-05-03. Review status: no assertion criteria provided. Collection method: clinical testing. Allele origin: germline. Not counted in ClinVar's aggregate classification.
Comment: This variant is classified as likely benign based on ACMG/AMP sequence variant interpretation guidelines (Richards et al. 2015 PMID: 25741868, with internal and published modifications).